The following is an entry in ClinVar:

ClinVar aggregate classification (germline): Uncertain significance. Review status: criteria provided, multiple submitters, no conflicts (2 of 4 stars). 2 submissions from 2 submitters: Uncertain significance (2). Last evaluated 2025-06-16.

gnomAD v4.1: 12 of 1,613,694 alleles (0.00074%); highest among the groups gnomAD compares: Non-Finnish European, 0.001%; no homozygotes.

Submissions (2):

GeneDx
Classification: Uncertain significance. Last evaluated: 2025-06-16. Review status: criteria provided, single submitter. Criteria: GeneDx Variant Classification Process June 2021. Collection method: clinical testing. Allele origin: germline. Affected: yes.
Comment: Not observed at significant frequency in large population cohorts (gnomAD); In silico analysis suggests that this missense variant does not alter protein structure/function; Has not been previously published as pathogenic or benign in association with an NFKB1-related disorder to our knowledge; This variant is associated with the following publications: (PMID: 30027470)

Labcorp Genetics (formerly Invitae), Labcorp
Classification: Uncertain significance. Last evaluated: 2025-06-08. Review status: criteria provided, single submitter. Criteria: Invitae Variant Classification Sherloc (09022015). Collection method: clinical testing. Allele origin: germline.
Comment: This sequence change replaces methionine, which is neutral and non-polar, with threonine, which is neutral and polar, at codon 860 of the NFKB1 protein (p.Met860Thr). This variant is present in population databases (rs148626207, gnomAD 0.002%). This variant has not been reported in the literature in individuals affected with NFKB1-related conditions. ClinVar contains an entry for this variant (Variation ID: 3612613). Invitae Evidence Modeling of protein sequence and biophysical properties (such as structural, functional, and spatial information, amino acid conservation, physicochemical variation, residue mobility, and thermodynamic stability) indicates that this missense variant is expected to disrupt NFKB1 protein function with a positive predictive value of 80%. In summary, the available evidence is currently insufficient to determine the role of this variant in disease. Therefore, it has been classified as a Variant of Uncertain Significance.

NM_003998.4(NFKB1):c.2579T>C (p.Met860Thr)

Gene: NFKB1 (nuclear factor kappa B subunit 1; plus strand). Cytogenetic location: 4q24.
Variant type: single nucleotide variant.
Coding change: c.2579T>C on transcript NM_003998.4 (MANE Select); coding-DNA position 2579, T replaced by C.
Protein change: p.Met860Thr; replaces methionine 860 with threonine.
Molecular consequence: missense variant.
Genome position (GRCh38, 1-based): chr4:102,612,593, T>C. VCF-style: chr4-102612593-T-C. GRCh37 (hg19) VCF-style: chr4-103533750-T-C.
Other names: c.2579T>C (NM_003998.3); c.2576T>C, p.Met859Thr (NM_001165412.2, NM_001319226.2, NM_001382627.1); c.2579T>C, p.Met860Thr (NM_001382625.1, NM_001382626.1); c.2537T>C, p.Met846Thr (NM_001382628.1); short protein forms M846T, M859T, M860T.
Identifiers: ClinVar variation 3612613 (VCV003612613.3).